The following is an entry in ClinVar:

NM_001379081.2(FREM1):c.3914A>G (p.Asp1305Gly)

Gene: FREM1 (FRAS1 related extracellular matrix 1; minus strand). Cytogenetic location: 9p22.3.
Variant type: single nucleotide variant.
Coding change: c.3914A>G on transcript NM_001379081.2 (MANE Select); coding-DNA position 3914, A replaced by G.
Protein change: p.Asp1305Gly; replaces aspartic acid 1305 with glycine.
Molecular consequence: missense variant. On other transcripts: non-coding transcript variant (2).
Genome position (GRCh38, 1-based): chr9:14,792,810, T>C on the plus strand (A>G on the coding strand, the complement: FREM1 is on the minus strand). VCF-style: chr9-14792810-T-C. GRCh37 (hg19) VCF-style: chr9-14792808-T-C.
Other names: c.3914A>G, p.Asp1305Gly (NM_144966.7); short protein forms D1305G.
Identifiers: ClinVar variation 1900746 (VCV001900746.4), dbSNP rs747936742, ClinGen allele CA4990370.

ClinVar aggregate classification (germline): Uncertain significance (1 of 4 stars; one submission).

Allele frequency attached by ClinVar (database versions not stated): gnomAD exomes below 0.00001; ExAC 0.00001.
gnomAD v4.1: 1 of 1,606,150 alleles (0.000062%); highest among the groups gnomAD compares: Admixed American, 0.0017%; no homozygotes.

Submission:

Labcorp Genetics (formerly Invitae), Labcorp
Classification: Uncertain significance. Last evaluated: 2023-05-15. Review status: criteria provided, single submitter. Criteria: Invitae Variant Classification Sherloc (09022015). Collection method: clinical testing. Allele origin: germline.
Comment: In summary, the available evidence is currently insufficient to determine the role of this variant in disease. Therefore, it has been classified as a Variant of Uncertain Significance. Advanced modeling of protein sequence and biophysical properties (such as structural, functional, and spatial information, amino acid conservation, physicochemical variation, residue mobility, and thermodynamic stability) performed at Invitae indicates that this missense variant is expected to disrupt FREM1 protein function. ClinVar contains an entry for this variant (Variation ID: 1900746). This variant has not been reported in the literature in individuals affected with FREM1-related conditions. This variant is present in population databases (rs747936742, gnomAD 0.003%). This sequence change replaces aspartic acid, which is acidic and polar, with glycine, which is neutral and non-polar, at codon 1305 of the FREM1 protein (p.Asp1305Gly).